The following is an entry in ClinVar:

ClinVar aggregate classification (germline): Pathogenic/Likely pathogenic. Review status: criteria provided, multiple submitters, no conflicts (2 of 4 stars). 2 submissions from 2 submitters: Pathogenic (1); Likely pathogenic (1). Last evaluated 2020-08-20.

Conditions:
Hereditary breast ovarian cancer syndrome. Also called: Hereditary breast and ovarian cancer; Hereditary breast and ovarian cancer syndrome (HBOC); Breast and ovarian cancer; BRCA1- and BRCA2-Associated Hereditary Breast and Ovarian Cancer; Hereditary breast and/or ovarian cancer syndrome; Hereditary breast and ovarian cancer syndrome. Identifiers: Orphanet 145, MedGen C0677776, MeSH D061325, MONDO:0003582. Disease mechanism: loss of function.

Submissions (2):

Labcorp Genetics (formerly Invitae), Labcorp
Classification: Pathogenic for Hereditary breast ovarian cancer syndrome. Last evaluated: 2020-08-20. Review status: criteria provided, single submitter. Criteria: Invitae Variant Classification Sherloc (09022015). Collection method: clinical testing. Allele origin: germline.
Comment: This sequence change creates a premature translational stop signal (p.Lys1445Cysfs*5) in the BRCA2 gene. It is expected to result in an absent or disrupted protein product. This variant is not present in population databases (ExAC no frequency). This variant has not been reported in the literature in individuals with BRCA2-related conditions. ClinVar contains an entry for this variant (Variation ID: 619637). Loss-of-function variants in BRCA2 are known to be pathogenic (PMID: 20104584). For these reasons, this variant has been classified as Pathogenic.

Quest Diagnostics Nichols Institute San Juan Capistrano
Classification: Likely pathogenic. Last evaluated: 2018-04-23. Review status: criteria provided, single submitter. Criteria: Quest Diagnostics criteria. Collection method: clinical testing. Allele origin: germline.

Literature cited by the submitters: PubMed 20104584 (cited by Labcorp Genetics (formerly Invitae), Labcorp).

NM_000059.4(BRCA2):c.4333_4337del (p.Lys1445fs)

Gene: BRCA2 (BRCA2 DNA repair associated; plus strand). Cytogenetic location: 13q13.1.
Variant type: Deletion.
Coding change: c.4333_4337del on transcript NM_000059.4 (MANE Select); coding-DNA positions 4333 to 4337, 5 bases deleted (AAAAT; older notation c.4333_4337delAAAAT).
Protein change: p.Lys1445fs; shifts the reading frame from lysine 1445.
Molecular consequence: frameshift variant.
Genome position (GRCh38, 1-based): chr13:32,338,688-32,338,692, AAAAT deleted; deleting any 5 consecutive bases within chr13:32,338,685-32,338,692 gives the same sequence; the c. name uses the placement nearest the transcript's 3' end. VCF-style (leftmost placement, unchanged base first): chr13-32338684-TAATAA-T. GRCh37 (hg19) VCF-style: chr13-32912821-TAATAA-T.
Other names: short protein forms K1445fs.
Identifiers: ClinVar variation 619637 (VCV000619637.9), dbSNP rs1566230089, ClinGen allele CA913190947.
Genomic context (GRCh38, chr13:32,338,684, plus strand): 5'-TTCTGATACATTTTTTCAGACTGCAAGTGGGAAAAATATTAGTGTCGCCAAAGAGTCATT[TAATAA>T]AATTGTAAATTTCTTTGATCAGAAACCAGAAGAATTGCATAACTTTTCCTTAAATTCTGA-3'